The following is an entry in ClinVar:

NM_003307.4(TRPM2):c.3746A>G (p.Asn1249Ser)

Gene: TRPM2 (transient receptor potential cation channel subfamily M member 2; plus strand). Cytogenetic location: 21q22.3.
Variant type: single nucleotide variant.
Coding change: c.3746A>G on transcript NM_003307.4 (MANE Select); coding-DNA position 3746, A replaced by G.
Protein change: p.Asn1249Ser; replaces asparagine 1249 with serine.
Molecular consequence: missense variant. On other transcripts: 5 prime UTR variant (1), non-coding transcript variant (1).
Genome position (GRCh38, 1-based): chr21:44,425,778, A>G. VCF-style: chr21-44425778-A-G. GRCh37 (hg19) VCF-style: chr21-45845661-A-G.
Other names: NC_000021.8:g.45845661A>G; c.3896A>G, p.Asn1299Ser (NM_001320350.2); c.3746A>G, p.Asn1249Ser (NM_001320351.2); c.-70A>G (NM_001320352.3); short protein forms N1249S, N1299S.
Identifiers: ClinVar variation 728909 (VCV000728909.30), dbSNP rs45513700, ClinGen allele CA10055590.

ClinVar aggregate classification (germline): Benign/Likely benign. Review status: criteria provided, multiple submitters, no conflicts (2 of 4 stars). 4 submissions from 4 submitters: Benign (2); Likely benign (2). Last evaluated 2025-08-03.

Allele frequency attached by ClinVar (database versions not stated): gnomAD exomes 0.00025 and 0.00057; ExAC 0.00107; 1000 Genomes Project 0.00220; 1000 Genomes Project 30x 0.00250; gnomAD 0.00251 and 0.00272; ESP Exome Variant Server 0.00262; TOPMed 0.00309.
gnomAD v4.1: 763 of 1,595,988 alleles (0.048%); highest among the groups gnomAD compares: African/African-American, 0.92%; 5 homozygotes.

Submissions (5):

Ambry Genetics
Classification: Likely benign. Last evaluated: 2025-08-03. Review status: criteria provided, single submitter. Criteria: Ambry Variant Classification Scheme 2023. Collection method: clinical testing. Allele origin: germline.

CeGaT Center for Human Genetics Tuebingen
Classification: Likely benign. Last evaluated: 2023-04-01. Review status: criteria provided, single submitter. Criteria: CeGaT Center For Human Genetics Tuebingen Variant Classification Criteria Version 2. Collection method: clinical testing. Allele origin: germline. Affected: yes. Observed: 1 variant allele.
Comment: TRPM2: BP4

Labcorp Genetics (formerly Invitae), Labcorp
Classification: Benign. Last evaluated: 2018-11-09. Review status: criteria provided, single submitter. Criteria: Invitae Variant Classification Sherloc (09022015). Collection method: clinical testing. Allele origin: germline.

Breakthrough Genomics
Classification: Benign. Review status: criteria provided, single submitter. Criteria: ACMG Guidelines, 2015. Collection method: not provided. Allele origin: germline. Inheritance: Unknown mechanism. Affected: yes.

Dr. Peter K. Rogan Lab, Western University
No classification provided (evidence only). Condition: Hepatocellular carcinoma. Review status: no classification provided. Collection method: in vitro. Allele origin: not applicable. Functional consequence: retained intron. Not counted in ClinVar's aggregate classification.